The following is an entry in ClinVar:

NM_001083962.2(TCF4):c.*708T>A

Gene: TCF4 (transcription factor 4; minus strand). Cytogenetic location: 18q21.2.
Variant type: single nucleotide variant.
Coding change: c.*708T>A on transcript NM_001083962.2 (MANE Select); 708 bases downstream of the stop codon, T replaced by A.
Molecular consequence: 3 prime UTR variant.
Genome position (GRCh38, 1-based): chr18:55,227,327, A>T on the plus strand (T>A on the coding strand, the complement: TCF4 is on the minus strand). VCF-style: chr18-55227327-A-T. GRCh37 (hg19) VCF-style: chr18-52894558-A-T.
Other names: c.*708T>A (NM_001243226.3, NM_001243227.2, NM_001243228.2 and 42 more transcripts).
Identifiers: ClinVar variation 891602 (VCV000891602.4), dbSNP rs186018055, ClinGen allele CA300792348.
Genomic context (GRCh38, chr18:55,227,327, plus strand): 5'-ATTTACAGTAAAATCTTTCTTTTAAAAAAGTTAATCAGTACTATTTTTTTACAGGAGAAA[A>T]AAGTCTGAAACAAATGAACAAAAGCTTACCATAGTCACTAAATTTTTAATATATATTTAT-3'

ClinVar aggregate classification (germline): Benign (1 of 4 stars; one submission).

Conditions:
Pitt-Hopkins syndrome (PTHS). Also called: ENCEPHALOPATHY, SEVERE EPILEPTIC, WITH AUTONOMIC DYSFUNCTION; MENTAL RETARDATION, SYNDROMAL, WITH INTERMITTENT HYPERVENTILATION. Identifiers: Orphanet 2896, MedGen C1970431, MONDO:0012589, OMIM 610954.

Allele frequency attached by ClinVar (database versions not stated): TOPMed 0.00034; gnomAD 0.00037 and 0.00038; 1000 Genomes Project 30x 0.00047; 1000 Genomes Project 0.00060.
gnomAD v4.1: 57 of 150,626 alleles (0.038%); highest among the groups gnomAD compares: Non-Finnish European, 0.059%; no homozygotes.

Submission:

Illumina Laboratory Services, Illumina
Classification: Benign for Pitt-Hopkins syndrome. Last evaluated: 2018-04-06. Review status: criteria provided, single submitter. Criteria: ICSL Variant Classification Criteria 13 December 2019. Collection method: clinical testing. Allele origin: germline.
Comment: This variant was observed in the ICSL laboratory as part of a predisposition screen in an ostensibly healthy population. It had not been previously curated by ICSL or reported in the Human Gene Mutation Database (HGMD: prior to June 1st, 2018), and was therefore a candidate for classification through an automated scoring system. Utilizing variant allele frequency, disease prevalence and penetrance estimates, and inheritance mode, an automated score was calculated to assess if this variant is too frequent to cause the disease. Based on the score and internal cut-off values, a variant classified as benign is not then subjected to further curation. The score for this variant resulted in a classification of benign for this disease.